The following is an entry in ClinVar:

ClinVar aggregate classification (germline): Likely benign. Review status: criteria provided, multiple submitters, no conflicts (2 of 4 stars). 2 submissions from 2 submitters: Likely benign (2). Last evaluated 2025-11-01.

Conditions:
Ellis-van Creveld syndrome (EVC). Also called: MESOECTODERMAL DYSPLASIA; Chondroectodermal dysplasia. Identifiers: Orphanet 289, MedGen C0013903, MONDO:0009162, OMIM 225500.
Curry-Hall syndrome (WAD). Also called: WEYERS ACRODENTAL DYSOSTOSIS. Identifiers: Orphanet 952, MedGen C0457013, MONDO:0008673, OMIM 193530.

Allele frequency attached by ClinVar (database versions not stated): ExAC 0.00001; gnomAD 0.00001; gnomAD exomes 0.00001; TOPMed 0.00002.
gnomAD v4.1: 20 of 1,613,212 alleles (0.0012%); highest among the groups gnomAD compares: Admixed American, 0.012%; no homozygotes.

Submissions (2):

CeGaT Center for Human Genetics Tuebingen
Classification: Likely benign. Last evaluated: 2025-11-01. Review status: criteria provided, single submitter. Criteria: CeGaT Center For Human Genetics Tuebingen Variant Classification Criteria Version 2. Collection method: clinical testing. Allele origin: germline. Affected: yes. Observed: 1 variant allele.
Comment: EVC: BP4, BP7

Labcorp Genetics (formerly Invitae), Labcorp
Classification: Likely benign for Curry-Hall syndrome; Ellis-van Creveld syndrome. Last evaluated: 2025-05-26. Review status: criteria provided, single submitter. Criteria: Invitae Variant Classification Sherloc (09022015). Collection method: clinical testing. Allele origin: germline.

NM_153717.3(EVC):c.1449G>A (p.Pro483=)

Gene: EVC (EvC ciliary complex subunit 1; plus strand). Cytogenetic location: 4p16.2.
Variant type: single nucleotide variant.
Coding change: c.1449G>A on transcript NM_153717.3 (MANE Select); coding-DNA position 1449, G replaced by A.
Protein change: p.Pro483=; no amino-acid change (proline 483 retained).
Molecular consequence: synonymous variant.
Genome position (GRCh38, 1-based): chr4:5,753,918, G>A. VCF-style: chr4-5753918-G-A. GRCh37 (hg19) VCF-style: chr4-5755645-G-A.
Other names: c.1449G>A, p.Pro483= (NM_001306090.2, NM_001306092.2).
Identifiers: ClinVar variation 2065900 (VCV002065900.10), dbSNP rs775819388, ClinGen allele CA2836106.